The following is an entry in ClinVar:

ClinVar aggregate classification (germline): Uncertain significance (1 of 4 stars; one submission).

Conditions:
Emery-Dreifuss muscular dystrophy 4, autosomal dominant (EDMD4). Also called: EMERY-DREIFUSS MUSCULAR DYSTROPHY 4 WITH VARIABLE FEATURES. Identifiers: Orphanet 261, MedGen C2751807, MONDO:0013071, OMIM 612998.
Autosomal recessive ataxia, Beauce type. Also called: SYNE1 Deficiency; Spinocerebellar ataxia, autosomal recessive 8; ATAXIA, RECESSIVE, OF BEAUCE; SYNE1-Related Autosomal Recessive Cerebellar Ataxia. Identifiers: Orphanet 88644, MedGen C1853116, MONDO:0012549, OMIM 610743.

Submission:

Labcorp Genetics (formerly Invitae), Labcorp
Classification: Uncertain significance for Emery-Dreifuss muscular dystrophy 4, autosomal dominant; Autosomal recessive ataxia, Beauce type. Last evaluated: 2022-02-17. Review status: criteria provided, single submitter. Criteria: Invitae Variant Classification Sherloc (09022015). Collection method: clinical testing. Allele origin: germline.
Comment: In summary, the available evidence is currently insufficient to determine the role of this variant in disease. Therefore, it has been classified as a Variant of Uncertain Significance. Algorithms developed to predict the effect of missense changes on protein structure and function are either unavailable or do not agree on the potential impact of this missense change (SIFT: "Deleterious"; PolyPhen-2: "Benign"; Align-GVGD: "Class C0"). This variant has not been reported in the literature in individuals affected with SYNE1-related conditions. This variant is not present in population databases (gnomAD no frequency). This sequence change replaces isoleucine, which is neutral and non-polar, with methionine, which is neutral and non-polar, at codon 1490 of the SYNE1 protein (p.Ile1490Met).

NM_182961.4(SYNE1):c.4449C>G (p.Ile1483Met)

Gene: SYNE1 (spectrin repeat containing nuclear envelope protein 1; minus strand). Cytogenetic location: 6q25.2.
Variant type: single nucleotide variant.
Coding change: c.4449C>G on transcript NM_182961.4 (MANE Select); coding-DNA position 4449, C replaced by G.
Protein change: p.Ile1483Met; replaces isoleucine 1483 with methionine.
Molecular consequence: missense variant.
Genome position (GRCh38, 1-based): chr6:152,433,807, G>C on the plus strand (C>G on the coding strand, the complement: SYNE1 is on the minus strand). VCF-style: chr6-152433807-G-C. GRCh37 (hg19) VCF-style: chr6-152754942-G-C.
Other names: c.4470C>G, p.Ile1490Met (NM_033071.5); short protein forms I1483M, I1490M.
Identifiers: ClinVar variation 2097823 (VCV002097823.4), dbSNP rs2499251880, ClinGen allele CA366143386.
Genomic context (GRCh38, chr6:152,433,807, plus strand): 5'-TCTTAAAAGCTAGACATGGATTATAAATATAATGTGTGAGCAGGTCACCTTAATTTGGCT[G>C]ATTTGCATGTCCATGGCAGATGACGAAGTTTCCAAGGCATTGAGTTCTTTTTCTTTCTCA-3'
Protein context (NP_892006.3, residues 1473-1493): ETSSSAMDMQ[Ile1483Met]SQIKVTIQEI